The following is an entry in ClinVar:

NM_016207.4(CPSF3):c.144A>G (p.Glu48=)

Gene: CPSF3 (cleavage and polyadenylation specific factor 3; plus strand). Cytogenetic location: 2p25.1.
Variant type: single nucleotide variant.
Coding change: c.144A>G on transcript NM_016207.4 (MANE Select); coding-DNA position 144, A replaced by G.
Protein change: p.Glu48=; no amino-acid change (glutamic acid 48 retained).
Molecular consequence: synonymous variant. On other transcripts: 5 prime UTR variant (1).
Genome position (GRCh38, 1-based): chr2:9,429,952, A>G. VCF-style: chr2-9429952-A-G. GRCh37 (hg19) VCF-style: chr2-9570081-A-G.
Other names: c.33A>G, p.Glu11= (NM_001321833.2, NM_001321834.2); c.-146A>G (NM_001321835.2); c.156A>G, p.Glu52= (NM_001321836.2).
Identifiers: ClinVar variation 5041350 (VCV005041350.1).

ClinVar aggregate classification (germline): Likely benign (1 of 4 stars; one submission).

gnomAD v4.1: 1 of 1,601,176 alleles (0.000062%); highest among the groups gnomAD compares: Non-Finnish European, 0.000085%; no homozygotes.

Submission:

CeGaT Center for Human Genetics Tuebingen
Classification: Likely benign. Last evaluated: 2026-09-01. Review status: criteria provided, single submitter. Criteria: CeGaT Center For Human Genetics Tuebingen Variant Classification Criteria Version 2. Collection method: clinical testing. Allele origin: germline. Affected: yes. Observed: 1 variant allele.
Comment: CPSF3: BP4, BP7